The following is an entry in ClinVar:

ClinVar aggregate classification (germline): Conflicting classifications of pathogenicity. Review status: criteria provided, conflicting classifications (1 of 4 stars). 3 submissions from 3 submitters: Uncertain significance (1); Likely benign (2). Last evaluated 2026-09-17.

Conditions:
CFI-related disorder. Also called: CFI-related disorders; CFI-related condition. Identifiers: MedGen CN239325.
Atypical hemolytic-uremic syndrome with I factor anomaly. Also called: HEMOLYTIC UREMIC SYNDROME, ATYPICAL, SUSCEPTIBILITY TO, 3; AHUS, SUSCEPTIBILITY TO, 3. Identifiers: Orphanet 2134, MedGen C2752039, MONDO:0013041, OMIM 612923.

Allele frequency attached by ClinVar (database versions not stated): 1000 Genomes Project 30x 0.00016; 1000 Genomes Project 0.00020.
gnomAD v4.1: 31 of 1,607,120 alleles (0.0019%); highest among the groups gnomAD compares: Middle Eastern, 0.033%; no homozygotes.

Submissions (3):

Genomenon, Inc
Classification: Likely benign for CFI-related disorder. Last evaluated: 2026-09-17. Review status: criteria provided, single submitter. Criteria: Genomenon Sequence Variant Interpretation Standards - Updated. Collection method: curation. Allele origin: germline. Affected: no.
Comment: CFI c.1044+9G>A is an intronic variant located in intron 9. This variant has been reported in the published literature (PMID:36845135). It is absent or not present at a significant frequency in gnomAD. This variant is not predicted to impact splicing. In conclusion, we classify CFI c.1044+9G>A as a likely benign variant.

Labcorp Genetics (formerly Invitae), Labcorp
Classification: Likely benign. Last evaluated: 2025-07-02. Review status: criteria provided, single submitter. Criteria: Invitae Variant Classification Sherloc (09022015). Collection method: clinical testing. Allele origin: germline.

Illumina Laboratory Services, Illumina
Classification: Uncertain significance for Atypical hemolytic-uremic syndrome with I factor anomaly. Last evaluated: 2018-01-12. Review status: criteria provided, single submitter. Criteria: ICSL Variant Classification Criteria 13 December 2019. Collection method: clinical testing. Allele origin: germline.

Literature cited by the submitters: PubMed 36845135 (cited by Genomenon, Inc).

NM_000204.5(CFI):c.1044+9G>A

Gene: CFI (complement factor I; minus strand). Cytogenetic location: 4q25.
Variant type: single nucleotide variant.
Coding change: c.1044+9G>A on transcript NM_000204.5 (MANE Select); 9 bases into the intron after coding-DNA position 1044, G replaced by A.
Molecular consequence: intron variant.
Genome position (GRCh38, 1-based): chr4:109,749,490, C>T on the plus strand (G>A on the coding strand, the complement: CFI is on the minus strand). VCF-style: chr4-109749490-C-T. GRCh37 (hg19) VCF-style: chr4-110670646-C-T.
Other names: c.1023+9G>A (NM_001375282.1, NM_001375280.1, NM_001331035.2); c.1044+9G>A (NM_001375281.1, NM_001375279.1); c.1068+9G>A (NM_001375278.1, NM_001318057.2); c.435+9G>A (NM_001375284.1); c.987+9G>A (NM_001375283.1).
Identifiers: ClinVar variation 347161 (VCV000347161.11), dbSNP rs568070697, ClinGen allele CA3042040.